The following is an entry in ClinVar:

NM_007175.8(ERLIN2):c.77T>C (p.Ile26Thr)

Gene: ERLIN2 (ER lipid raft associated 2; plus strand). Cytogenetic location: 8p11.23.
Variant type: single nucleotide variant.
Coding change: c.77T>C on transcript NM_007175.8 (MANE Select); coding-DNA position 77, T replaced by C.
Protein change: p.Ile26Thr; replaces isoleucine 26 with threonine.
Molecular consequence: missense variant.
Genome position (GRCh38, 1-based): chr8:37,737,999, T>C. VCF-style: chr8-37737999-T-C. GRCh37 (hg19) VCF-style: chr8-37595517-T-C.
Other names: c.77T>C, p.Ile26Thr (NM_001003790.4, NM_001003791.3, NM_001362878.2 and 1 more transcripts); short protein forms I26T.
Identifiers: ClinVar variation 3020994 (VCV003020994.3), dbSNP rs2487278989, ClinGen allele CA370649060.

ClinVar aggregate classification (germline): Uncertain significance (1 of 4 stars; one submission).

Conditions:
Spastic paraplegia. Identifiers: MedGen C0037772, HP:0001258.

Submission:

Labcorp Genetics (formerly Invitae), Labcorp
Classification: Uncertain significance for Spastic paraplegia. Last evaluated: 2022-11-26. Review status: criteria provided, single submitter. Criteria: Invitae Variant Classification Sherloc (09022015). Collection method: clinical testing. Allele origin: germline.
Comment: This sequence change replaces isoleucine, which is neutral and non-polar, with threonine, which is neutral and polar, at codon 26 of the ERLIN2 protein (p.Ile26Thr). This variant is not present in population databases (gnomAD no frequency). This variant has not been reported in the literature in individuals affected with ERLIN2-related conditions. Algorithms developed to predict the effect of missense changes on protein structure and function (SIFT, PolyPhen-2, Align-GVGD) all suggest that this variant is likely to be disruptive. In summary, the available evidence is currently insufficient to determine the role of this variant in disease. Therefore, it has been classified as a Variant of Uncertain Significance.